The following is an entry in ClinVar:

NM_031907.3(USP26):c.125T>C (p.Phe42Ser)

Gene: USP26 (ubiquitin specific peptidase 26; minus strand). Cytogenetic location: Xq26.2.
Variant type: single nucleotide variant.
Coding change: c.125T>C on transcript NM_031907.3 (MANE Select); coding-DNA position 125, T replaced by C.
Protein change: p.Phe42Ser; replaces phenylalanine 42 with serine.
Molecular consequence: missense variant.
Genome position (GRCh38, 1-based): chrX:133,028,096, A>G on the plus strand (T>C on the coding strand, the complement: USP26 is on the minus strand). VCF-style: chrX-133028096-A-G. GRCh37 (hg19) VCF-style: chrX-132162124-A-G.
Other names: short protein forms F42S.
Identifiers: ClinVar variation 3239641 (VCV003239641.2).

ClinVar aggregate classification (germline): Uncertain significance (1 of 4 stars; one submission).

Conditions:
Oligospermia. Identifiers: MedGen C0028960, MeSH D009845, MONDO:0001913.
Reduced sperm motility. Also called: asthenozoospermia. Identifiers: MedGen C4082176, HP:0012207.
Abnormal sperm morphology. Also called: Teratozoospermia. Identifiers: MedGen C0403824, HP:0012864.

gnomAD v4.1: 5 of 1,209,770 alleles (0.00041%); highest among the groups gnomAD compares: East Asian, 0.015%; no homozygotes.

Submission:

Huzhibin Lab, Nanjing Medical University
Classification: Uncertain significance for Oligozoospermia; Reduced sperm motility; Abnormal sperm morphology. Review status: criteria provided, single submitter. Criteria: ACMG Guidelines, 2015. Collection method: research. Allele origin: germline. Inheritance: X-linked recessive inheritance. Affected: yes. Observed: 1 variant allele, 1 hemizygote.
Comment: Criteria:PS4,PP3 This gene is a known causative gene for teratozoospermia located in ChrX, and male knockout mice of this gene have been shown to have a teratospermic phenotype and be infertile in males. While the variant we found here is a missense but not LoF variant. This rare homozygous variant in this gene was not found in the control population, and this variant cannot be found in the gnomad and ExAC databases, it was also predicted to be pathogenic by multiple algorithms,such as CADD(19.62), polyphen(0.990), SIFT(0.04), AlphaMissense(Pathogenic).

Literature cited by the submitters: PubMed 30561524; PubMed 31551464.